The following is an entry in ClinVar:

NM_001256789.3(CACNA1F):c.4141A>G (p.Ser1381Gly)

Gene: CACNA1F (calcium voltage-gated channel subunit alpha1 F; minus strand). Cytogenetic location: Xp11.23.
Variant type: single nucleotide variant.
Coding change: c.4141A>G on transcript NM_001256789.3 (MANE Select); coding-DNA position 4141, A replaced by G.
Protein change: p.Ser1381Gly; replaces serine 1381 with glycine.
Molecular consequence: missense variant.
Genome position (GRCh38, 1-based): chrX:49,211,441, T>C on the plus strand (A>G on the coding strand, the complement: CACNA1F is on the minus strand). VCF-style: chrX-49211441-T-C. GRCh37 (hg19) VCF-style: chrX-49067901-T-C.
Other names: c.3979A>G, p.Ser1327Gly (NM_001256790.3); c.4174A>G, p.Ser1392Gly (NM_005183.4); short protein forms S1381G, S1327G, S1392G.
Identifiers: ClinVar variation 939065 (VCV000939065.9), dbSNP rs2065656975, ClinGen allele CA412961725.

ClinVar aggregate classification (germline): Uncertain significance (1 of 4 stars; one submission).

Submission:

Labcorp Genetics (formerly Invitae), Labcorp
Classification: Uncertain significance. Last evaluated: 2024-09-05. Review status: criteria provided, single submitter. Criteria: Invitae Variant Classification Sherloc (09022015). Collection method: clinical testing. Allele origin: germline.
Comment: This sequence change replaces serine, which is neutral and polar, with glycine, which is neutral and non-polar, at codon 1392 of the CACNA1F protein (p.Ser1392Gly). This variant is not present in population databases (gnomAD no frequency). This variant has not been reported in the literature in individuals affected with CACNA1F-related conditions. ClinVar contains an entry for this variant (Variation ID: 939065). Invitae Evidence Modeling of protein sequence and biophysical properties (such as structural, functional, and spatial information, amino acid conservation, physicochemical variation, residue mobility, and thermodynamic stability) indicates that this missense variant is not expected to disrupt CACNA1F protein function with a negative predictive value of 80%. In summary, the available evidence is currently insufficient to determine the role of this variant in disease. Therefore, it has been classified as a Variant of Uncertain Significance.